The following is an entry in ClinVar:

NM_001122764.3(PPOX):c.1006C>G (p.Pro336Ala)

Gene: PPOX (protoporphyrinogen oxidase; plus strand). Cytogenetic location: 1q23.3.
Variant type: single nucleotide variant.
Coding change: c.1006C>G on transcript NM_001122764.3 (MANE Select); coding-DNA position 1006, C replaced by G.
Protein change: p.Pro336Ala; replaces proline 336 with alanine.
Molecular consequence: missense variant. On other transcripts: intron variant (1).
Genome position (GRCh38, 1-based): chr1:161,170,427, C>G. VCF-style: chr1-161170427-C-G. GRCh37 (hg19) VCF-style: chr1-161140217-C-G.
Other names: c.1006C>G, p.Pro336Ala (NM_000309.5, NM_001365398.1); c.907C>G, p.Pro303Ala (NM_001350128.2); c.598C>G, p.Pro200Ala (NM_001350129.2, NM_001365400.1); c.520C>G, p.Pro174Ala (NM_001350130.2, NM_001350131.2, NM_001365401.1); c.988-193C>G (NM_001365399.1); short protein forms P174A, P200A, P303A, P336A.
Identifiers: ClinVar variation 1305738 (VCV001305738.5), dbSNP rs1252661884, ClinGen allele CA343356913.

ClinVar aggregate classification (germline): Uncertain significance. Review status: criteria provided, multiple submitters, no conflicts (2 of 4 stars). 2 submissions from 2 submitters: Uncertain significance (2). Last evaluated 2024-01-10.

Allele frequency attached by ClinVar (database versions not stated): TOPMed below 0.00001; gnomAD 0.00001.
gnomAD v4.1: 1 of 1,590,958 alleles (0.000063%); highest among the groups gnomAD compares: Non-Finnish European, 0.000086%; no homozygotes.

Submissions (2):

Labcorp Genetics (formerly Invitae), Labcorp
Classification: Uncertain significance. Last evaluated: 2024-01-10. Review status: criteria provided, single submitter. Criteria: Invitae Variant Classification Sherloc (09022015). Collection method: clinical testing. Allele origin: germline.
Comment: This sequence change replaces proline, which is neutral and non-polar, with alanine, which is neutral and non-polar, at codon 336 of the PPOX protein (p.Pro336Ala). This variant is not present in population databases (gnomAD no frequency). This variant has not been reported in the literature in individuals affected with PPOX-related conditions. ClinVar contains an entry for this variant (Variation ID: 1305738). Advanced modeling of protein sequence and biophysical properties (such as structural, functional, and spatial information, amino acid conservation, physicochemical variation, residue mobility, and thermodynamic stability) performed at Invitae indicates that this missense variant is not expected to disrupt PPOX protein function with a negative predictive value of 80%. In summary, the available evidence is currently insufficient to determine the role of this variant in disease. Therefore, it has been classified as a Variant of Uncertain Significance.

GeneDx
Classification: Uncertain significance. Last evaluated: 2019-05-06. Review status: criteria provided, single submitter. Criteria: GeneDx Variant Classification Process June 2021. Collection method: clinical testing. Allele origin: germline. Affected: yes.
Comment: Has not been previously published as pathogenic or benign to our knowledge; Not observed in large population cohorts (Lek et al., 2016); In silico analysis, which includes protein predictors and evolutionary conservation, supports a deleterious effect